The following is an entry in ClinVar:

NM_001035.3(RYR2):c.3244G>T (p.Gly1082Trp)

Gene: RYR2 (ryanodine receptor 2; plus strand). Cytogenetic location: 1q43.
Variant type: single nucleotide variant.
Coding change: c.3244G>T on transcript NM_001035.3 (MANE Select); coding-DNA position 3244, G replaced by T.
Protein change: p.Gly1082Trp; replaces glycine 1082 with tryptophan.
Molecular consequence: missense variant.
Genome position (GRCh38, 1-based): chr1:237,566,596, G>T. VCF-style: chr1-237566596-G-T. GRCh37 (hg19) VCF-style: chr1-237729896-G-T.
Other names: short protein forms G1082W.
Identifiers: ClinVar variation 3075211 (VCV003075211.1), dbSNP rs774797663, ClinGen allele CA345397915.
Genomic context (GRCh38, chr1:237,566,596, plus strand): 5'-TGACCACCAGAAATCTCTGTCCATTTCCCAGCAGCCAGAGCCGAAGTGTGCAGCGGCACC[G>T]GGGAAAGGTTCCGAATCTTCCGTGCCGAGAAGACCTATGCAGTGAAGGCCGGACGGTGGT-3'
Protein context (NP_001026.2, residues 1072-1092): AARAEVCSGT[Gly1082Trp]ERFRIFRAEK

ClinVar aggregate classification (germline): Uncertain significance (1 of 4 stars; one submission).

Conditions:
Catecholaminergic polymorphic ventricular tachycardia (CVPT). Also called: Catecholamine-induced polymorphic ventricular tachycardia. Identifiers: Orphanet 3286, MedGen C5574922, MONDO:0017990.

Submission:

All of Us Research Program, National Institutes of Health
Classification: Uncertain significance for Catecholaminergic polymorphic ventricular tachycardia. Last evaluated: 2024-01-11. Review status: criteria provided, single submitter. Criteria: ACMG Guidelines, 2015. Collection method: clinical testing. Allele origin: germline. Inheritance: Autosomal dominant inheritance. Observed: 1 variant allele, 1 heterozygote.
Comment: This study involves interpretation of variants in research participants for the purpose of population health screening. Participant phenotype was not available at the time of variant classification. Additional details can be found in publication PMID: 35346344, PMCID: PMC8962531